The following is an entry in ClinVar:

ClinVar aggregate classification (germline): Uncertain significance (1 of 4 stars; one submission).

Conditions:
Inborn genetic diseases. Identifiers: MedGen C0950123, MeSH D030342.

Submission:

Ambry Genetics
Classification: Uncertain significance for Inborn genetic diseases. Last evaluated: 2022-03-14. Review status: criteria provided, single submitter. Criteria: Ambry Variant Classification Scheme 2023. Collection method: clinical testing. Allele origin: germline.
Comment: The c.1124G>T (p.R375L) alteration is located in exon 7 (coding exon 7) of the DHCR24 gene. This alteration results from a G to T substitution at nucleotide position 1124, causing the arginine (R) at amino acid position 375 to be replaced by a leucine (L). This variant was not reported in population-based cohorts in the Genome Aggregation Database (gnomAD). This amino acid position is highly conserved in available vertebrate species. This alteration is predicted to be deleterious by in silico analysis. Based on insufficient or conflicting evidence, the clinical significance of this alteration remains unclear.

NM_014762.4(DHCR24):c.1124G>T (p.Arg375Leu)

Gene: DHCR24 (24-dehydrocholesterol reductase; minus strand). Cytogenetic location: 1p32.3.
Variant type: single nucleotide variant.
Coding change: c.1124G>T on transcript NM_014762.4 (MANE Select); coding-DNA position 1124, G replaced by T.
Protein change: p.Arg375Leu; replaces arginine 375 with leucine.
Molecular consequence: missense variant.
Genome position (GRCh38, 1-based): chr1:54,854,131, C>A on the plus strand (G>T on the coding strand, the complement: DHCR24 is on the minus strand). VCF-style: chr1-54854131-C-A. GRCh37 (hg19) VCF-style: chr1-55319804-C-A.
Other names: short protein forms R375L.
Identifiers: ClinVar variation 2353384 (VCV002353384.2), dbSNP rs1478909912, ClinGen allele CA340451966.